The following is an entry in ClinVar:

ClinVar aggregate classification (germline): Uncertain significance. Review status: criteria provided, multiple submitters, no conflicts (2 of 4 stars). 2 submissions from 2 submitters: Uncertain significance (2). Last evaluated 2025-05-22.

Conditions:
Inborn genetic diseases. Identifiers: MedGen C0950123, MeSH D030342.
Transcobalamin II deficiency (TCN2D). Also called: Transcolabamin II deficiency; TC II DEFICIENCY; TCN2 DEFICIENCY. Identifiers: Orphanet 859, MedGen C0342701, MONDO:0010149, OMIM 275350.

Allele frequency attached by ClinVar (database versions not stated): TOPMed below 0.00001; ExAC 0.00001; gnomAD exomes 0.00005.
gnomAD v4.1: 73 of 1,614,222 alleles (0.0045%); highest among the groups gnomAD compares: Non-Finnish European, 0.0058%; no homozygotes.

Submissions (2):

Ambry Genetics
Classification: Uncertain significance for Inborn genetic diseases. Last evaluated: 2025-05-22. Review status: criteria provided, single submitter. Criteria: Ambry Variant Classification Scheme 2023. Collection method: clinical testing. Allele origin: germline.

Labcorp Genetics (formerly Invitae), Labcorp
Classification: Uncertain significance for Transcobalamin II deficiency. Last evaluated: 2024-11-10. Review status: criteria provided, single submitter. Criteria: Invitae Variant Classification Sherloc (09022015). Collection method: clinical testing. Allele origin: germline.
Comment: This sequence change replaces arginine, which is basic and polar, with serine, which is neutral and polar, at codon 126 of the TCN2 protein (p.Arg126Ser). This variant is present in population databases (rs756127737, gnomAD 0.0009%). This variant has not been reported in the literature in individuals affected with TCN2-related conditions. ClinVar contains an entry for this variant (Variation ID: 1979039). Invitae Evidence Modeling of protein sequence and biophysical properties (such as structural, functional, and spatial information, amino acid conservation, physicochemical variation, residue mobility, and thermodynamic stability) indicates that this missense variant is not expected to disrupt TCN2 protein function with a negative predictive value of 80%. In summary, the available evidence is currently insufficient to determine the role of this variant in disease. Therefore, it has been classified as a Variant of Uncertain Significance.

NM_000355.4(TCN2):c.378G>C (p.Arg126Ser)

Gene: TCN2 (transcobalamin 2; plus strand). Cytogenetic location: 22q12.2.
Variant type: single nucleotide variant.
Coding change: c.378G>C on transcript NM_000355.4 (MANE Select); coding-DNA position 378, G replaced by C.
Protein change: p.Arg126Ser; replaces arginine 126 with serine.
Molecular consequence: missense variant. On other transcripts: intron variant (1).
Genome position (GRCh38, 1-based): chr22:30,612,993, G>C. VCF-style: chr22-30612993-G-C. GRCh37 (hg19) VCF-style: chr22-31008980-G-C.
Other names: c.346+32G>C (NM_001184726.2); c.378G>C (NM_000355.3); short protein forms R126S.
Identifiers: ClinVar variation 1979039 (VCV001979039.4), dbSNP rs756127737, ClinGen allele CA10184602.
Genomic context (GRCh38, chr22:30,612,993, plus strand): 5'-CCTCTACCTGCTCGCTCTCAGAGCCAACTGTGAGTTTGTCAGGGGCCACAAGGGGGACAG[G>C]CTGGTCTCACAGCTCAAATGGTTCCTGGAGGATGAGAAGAGAGCCATTGGTGAGCAGACA-3'
Protein context (NP_000346.2, residues 116-136): CEFVRGHKGD[Arg126Ser]LVSQLKWFLE